The following is an entry in ClinVar:

ClinVar aggregate classification (germline): Uncertain significance (1 of 4 stars; one submission).

Conditions:
Arrhythmogenic right ventricular dysplasia 11. Also called: ARRHYTHMOGENIC RIGHT VENTRICULAR DYSPLASIA, FAMILIAL, 11; Arrhythmogenic Right Ventricular Dysplasia/Cardiomyopathy11; Arrhythmogenic right ventricular dysplasia 11 with mild palmoplantar keratoderma and woolly hair. Identifiers: MedGen C1864850, MONDO:0012506, OMIM 610476.

Submission:

Labcorp Genetics (formerly Invitae), Labcorp
Classification: Uncertain significance for Arrhythmogenic right ventricular dysplasia 11. Last evaluated: 2023-08-14. Review status: criteria provided, single submitter. Criteria: Invitae Variant Classification Sherloc (09022015). Collection method: clinical testing. Allele origin: germline.
Comment: This variant has not been reported in the literature in individuals affected with DSC2-related conditions. In summary, the available evidence is currently insufficient to determine the role of this variant in disease. Therefore, it has been classified as a Variant of Uncertain Significance. Advanced modeling of protein sequence and biophysical properties (such as structural, functional, and spatial information, amino acid conservation, physicochemical variation, residue mobility, and thermodynamic stability) has been performed at Invitae for this missense variant, however the output from this modeling did not meet the statistical confidence thresholds required to predict the impact of this variant on DSC2 protein function. This variant is not present in population databases (gnomAD no frequency). This sequence change replaces alanine, which is neutral and non-polar, with valine, which is neutral and non-polar, at codon 61 of the DSC2 protein (p.Ala61Val).

NM_024422.6(DSC2):c.182C>T (p.Ala61Val)

Gene: DSC2 (desmocollin 2; minus strand). Cytogenetic location: 18q12.1.
Variant type: single nucleotide variant.
Coding change: c.182C>T on transcript NM_024422.6 (MANE Select); coding-DNA position 182, C replaced by T.
Protein change: p.Ala61Val; replaces alanine 61 with valine.
Molecular consequence: missense variant. On other transcripts: 5 prime UTR variant (2).
Genome position (GRCh38, 1-based): chr18:31,092,273, G>A on the plus strand (C>T on the coding strand, the complement: DSC2 is on the minus strand). VCF-style: chr18-31092273-G-A. GRCh37 (hg19) VCF-style: chr18-28672236-G-A.
Other names: c.-248C>T (NM_001406506.1, NM_001406507.1); c.182C>T, p.Ala61Val (NM_004949.5); short protein forms A61V.
Identifiers: ClinVar variation 2811310 (VCV002811310.3), dbSNP rs758707293, ClinGen allele CA402114936.